The following is an entry in ClinVar:

NC_000023.10:g.(?_44935922)_(44950129_?)del

Gene: KDM6A (lysine demethylase 6A; plus strand). Cytogenetic location: Xp11.3.
Variant type: Deletion.
Identifiers: ClinVar variation 3245449 (VCV003245449.1).

ClinVar aggregate classification (germline): Pathogenic (1 of 4 stars; one submission).

Conditions:
Kabuki syndrome 2 (KABUK2). Also called: KDM6A-Related Kabuki Syndrome. Identifiers: Orphanet 2322, MedGen C3275495, MONDO:0010465, OMIM 300867.

Submission:

Labcorp Genetics (formerly Invitae), Labcorp
Classification: Pathogenic for Kabuki syndrome 2. Last evaluated: 2023-07-29. Review status: criteria provided, single submitter. Criteria: Invitae Variant Classification Sherloc (09022015). Collection method: clinical testing. Allele origin: unknown.
Comment: This variant has not been reported in the literature in individuals affected with KDM6A-related conditions. For these reasons, this variant has been classified as Pathogenic. This variant disrupts a region of the KDM6A protein in which other variant(s) (p.Arg1255Trp) have been determined to be pathogenic (PMID: 27302555). This suggests that this is a clinically significant region of the protein, and that variants that disrupt it are likely to be disease-causing. This variant is a gross deletion of the genomic region encompassing exon(s) 18-26 of the KDM6A gene. This variant would be expected to be in-frame, preserving the integrity of the reading frame.

Literature cited by the submitters: PubMed 27302555.